The following is an entry in ClinVar:

ClinVar aggregate classification (germline): Uncertain significance (1 of 4 stars; one submission).

Submission:

Labcorp Genetics (formerly Invitae), Labcorp
Classification: Uncertain significance. Last evaluated: 2022-11-29. Review status: criteria provided, single submitter. Criteria: Invitae Variant Classification Sherloc (09022015). Collection method: clinical testing. Allele origin: germline.
Comment: In summary, the available evidence is currently insufficient to determine the role of this variant in disease. Therefore, it has been classified as a Variant of Uncertain Significance. Advanced modeling of protein sequence and biophysical properties (such as structural, functional, and spatial information, amino acid conservation, physicochemical variation, residue mobility, and thermodynamic stability) performed at Invitae indicates that this missense variant is not expected to disrupt TRPM1 protein function. This variant has not been reported in the literature in individuals affected with TRPM1-related conditions. This variant is not present in population databases (gnomAD no frequency). This sequence change replaces serine, which is neutral and polar, with asparagine, which is neutral and polar, at codon 22 of the TRPM1 protein (p.Ser22Asn).

NM_001252024.2(TRPM1):c.131G>A (p.Ser44Asn)

Gene: TRPM1 (transient receptor potential cation channel subfamily M member 1; minus strand). Cytogenetic location: 15q13.3.
Variant type: single nucleotide variant.
Coding change: c.131G>A on transcript NM_001252024.2 (MANE Select); coding-DNA position 131, G replaced by A.
Protein change: p.Ser44Asn; replaces serine 44 with asparagine.
Molecular consequence: missense variant.
Genome position (GRCh38, 1-based): chr15:31,070,179, C>T on the plus strand (G>A on the coding strand, the complement: TRPM1 is on the minus strand). VCF-style: chr15-31070179-C-T. GRCh37 (hg19) VCF-style: chr15-31362382-C-T.
Other names: c.182G>A, p.Ser61Asn (NM_001252020.2); c.65G>A, p.Ser22Asn (NM_001252030.2, NM_002420.6); short protein forms S22N, S44N, S61N.
Identifiers: ClinVar variation 1714813 (VCV001714813.5), dbSNP rs2504230677, ClinGen allele CA391537511.